The following is an entry in ClinVar:

NM_000382.3(ALDH3A2):c.771del (p.Ile257fs)

Gene: ALDH3A2 (aldehyde dehydrogenase 3 family member A2; plus strand). Cytogenetic location: 17p11.2.
Variant type: Deletion.
Coding change: c.771del on transcript NM_000382.3 (MANE Select); coding-DNA position 771, one base deleted (T; older notation c.771delT).
Protein change: p.Ile257fs; shifts the reading frame from isoleucine 257.
Molecular consequence: frameshift variant.
Genome position (GRCh38, 1-based): chr17:19,657,835, T deleted; the last of 2 consecutive T bases (chr17:19,657,834-19,657,835); deleting either gives the same sequence. VCF-style (leftmost placement, unchanged base first): chr17-19657833-AT-A. GRCh37 (hg19) VCF-style: chr17-19561146-AT-A.
Other names: c.771del, p.Ile257fs (NM_001031806.2, NM_001369136.1, NM_001369137.2 and 3 more transcripts); c.192del, p.Ile64fs (NM_001369148.2); short protein forms I257fs, I64fs.
Identifiers: ClinVar variation 5013060 (VCV005013060.1).

ClinVar aggregate classification (germline): Pathogenic (1 of 4 stars; one submission).

Conditions:
Sjögren-Larsson syndrome (SLS). Also called: FALDH DEFICIENCY; FATTY ALCOHOL:NAD+ OXIDOREDUCTASE DEFICIENCY; FATTY ALDEHYDE DEHYDROGENASE DEFICIENCY; ICHTHYOSIS, SPASTIC NEUROLOGIC DISORDER, AND OLIGOPHRENIA. Identifiers: Orphanet 816, MedGen C0037231, MONDO:0010031, OMIM 270200.

Submission:

Myriad Genetics, Inc.
Classification: Pathogenic for Sjögren-Larsson syndrome. Last evaluated: 2024-05-15. Review status: criteria provided, single submitter. Criteria: Myriad Autosomal Dominant, Autosomal Recessive and X-Linked Classification Criteria (2023). Collection method: clinical testing. Allele origin: unknown.
Comment: NM_000382.2(ALDH3A2):c.771delT(I257Mfs*9) is expected to be pathogenic in the context of Sjogren-Larsson syndrome. This variant is predicted to lead to an abnormal or absent protein product due to the creation of a premature termination codon in ALDH3A2, a gene where loss-of-function variants are known to be pathogenic. Please note: this variant was assessed in the context of healthy population screening.